The following is an entry in ClinVar:

ClinVar aggregate classification (germline): Uncertain significance (1 of 4 stars; one submission).

Conditions:
KBG syndrome (KBGS). Also called: ANKRD11-Related KBG Syndrome. Identifiers: Orphanet 2332, MedGen C0220687, MONDO:0007846, OMIM 148050.

Allele frequency attached by ClinVar (database versions not stated): gnomAD exomes below 0.00001; TOPMed below 0.00001; ExAC 0.00001; gnomAD 0.00001.
gnomAD v4.1: 3 of 1,612,680 alleles (0.00019%); highest among the groups gnomAD compares: African/African-American, 0.0027%; no homozygotes.

Submission:

Labcorp Genetics (formerly Invitae), Labcorp
Classification: Uncertain significance for KBG syndrome. Last evaluated: 2023-06-13. Review status: criteria provided, single submitter. Criteria: Invitae Variant Classification Sherloc (09022015). Collection method: clinical testing. Allele origin: germline.
Comment: In summary, the available evidence is currently insufficient to determine the role of this variant in disease. Therefore, it has been classified as a Variant of Uncertain Significance. Advanced modeling of protein sequence and biophysical properties (such as structural, functional, and spatial information, amino acid conservation, physicochemical variation, residue mobility, and thermodynamic stability) performed at Invitae indicates that this missense variant is not expected to disrupt ANKRD11 protein function. This variant has not been reported in the literature in individuals affected with ANKRD11-related conditions. This variant is present in population databases (rs758715592, gnomAD 0.003%). This sequence change replaces alanine, which is neutral and non-polar, with valine, which is neutral and non-polar, at codon 2170 of the ANKRD11 protein (p.Ala2170Val).

NM_013275.6(ANKRD11):c.6509C>T (p.Ala2170Val)

Gene: ANKRD11 (ankyrin repeat domain 11; minus strand). Cytogenetic location: 16q24.3.
Variant type: single nucleotide variant.
Coding change: c.6509C>T on transcript NM_013275.6 (MANE Select); coding-DNA position 6509, C replaced by T.
Protein change: p.Ala2170Val; replaces alanine 2170 with valine.
Molecular consequence: missense variant.
Genome position (GRCh38, 1-based): chr16:89,280,033, G>A on the plus strand (C>T on the coding strand, the complement: ANKRD11 is on the minus strand). VCF-style: chr16-89280033-G-A. GRCh37 (hg19) VCF-style: chr16-89346441-G-A.
Other names: c.6509C>T, p.Ala2170Val (NM_001256182.2, NM_001256183.2); short protein forms A2170V.
Identifiers: ClinVar variation 2827290 (VCV002827290.3), dbSNP rs758715592, ClinGen allele CA8241418.